The following is an entry in ClinVar:

ClinVar aggregate classification (germline): Uncertain significance (1 of 4 stars; one submission).

Conditions:
Progressive myoclonic epilepsy. Also called: Familial progressive myoclonic epilepsy; Myoclonus epilepsy; Myoclonic Epilepsies, Progressive; Progressive myoclonus epilepsy. Identifiers: Orphanet 308, Orphanet 98261, MedGen C0751778, MONDO:0020074.

Allele frequency attached by ClinVar (database versions not stated): gnomAD exomes below 0.00001 and 0.00001; ExAC 0.00002.
gnomAD v4.1: 6 of 1,614,230 alleles (0.00037%); highest among the groups gnomAD compares: South Asian, 0.0055%; no homozygotes.

Submission:

Labcorp Genetics (formerly Invitae), Labcorp
Classification: Uncertain significance for Progressive myoclonic epilepsy. Last evaluated: 2021-02-12. Review status: criteria provided, single submitter. Criteria: Invitae Variant Classification Sherloc (09022015). Collection method: clinical testing. Allele origin: germline.
Comment: This variant has not been reported in the literature in individuals with CSTB-related conditions. In summary, the available evidence is currently insufficient to determine the role of this variant in disease. Therefore, it has been classified as a Variant of Uncertain Significance. Algorithms developed to predict the effect of missense changes on protein structure and function (SIFT, PolyPhen-2, Align-GVGD) all suggest that this variant is likely to be disruptive, but these predictions have not been confirmed by published functional studies and their clinical significance is uncertain. This variant is present in population databases (rs748818442, ExAC 0.01%). This sequence change replaces histidine with tyrosine at codon 66 of the CSTB protein (p.His66Tyr). The histidine residue is highly conserved and there is a moderate physicochemical difference between histidine and tyrosine.

NM_000100.4(CSTB):c.196C>T (p.His66Tyr)

Gene: CSTB (cystatin B; minus strand). Cytogenetic location: 21q22.3.
Variant type: single nucleotide variant.
Coding change: c.196C>T on transcript NM_000100.4 (MANE Select); coding-DNA position 196, C replaced by T.
Protein change: p.His66Tyr; replaces histidine 66 with tyrosine.
Molecular consequence: missense variant.
Genome position (GRCh38, 1-based): chr21:43,774,303, G>A on the plus strand (C>T on the coding strand, the complement: CSTB is on the minus strand). VCF-style: chr21-43774303-G-A. GRCh37 (hg19) VCF-style: chr21-45194184-G-A.
Other names: short protein forms H66Y.
Identifiers: ClinVar variation 1479565 (VCV001479565.8), dbSNP rs748818442, ClinGen allele CA10048874.